The following is an entry in ClinVar:

NM_015662.3(IFT172):c.1444G>C (p.Val482Leu)

Gene: IFT172 (intraflagellar transport 172; minus strand). Cytogenetic location: 2p23.3.
Variant type: single nucleotide variant.
Coding change: c.1444G>C on transcript NM_015662.3 (MANE Select); coding-DNA position 1444, G replaced by C.
Protein change: p.Val482Leu; replaces valine 482 with leucine.
Molecular consequence: missense variant.
Genome position (GRCh38, 1-based): chr2:27,472,330, C>G on the plus strand (G>C on the coding strand, the complement: IFT172 is on the minus strand). VCF-style: chr2-27472330-C-G. GRCh37 (hg19) VCF-style: chr2-27695197-C-G.
Other names: short protein forms V482L.
Identifiers: ClinVar variation 1506438 (VCV001506438.8), dbSNP rs771104054, ClinGen allele CA346391648.

ClinVar aggregate classification (germline): Uncertain significance (1 of 4 stars; one submission).

Conditions:
Short-rib thoracic dysplasia 10 with or without polydactyly (SRTD10). Identifiers: Orphanet 474, MedGen C3810175, MONDO:0014284, OMIM 615630.
Retinitis pigmentosa 71 (RP71). Identifiers: Orphanet 791, MedGen C4225342, MONDO:0014618, OMIM 616394.

Submission:

Labcorp Genetics (formerly Invitae), Labcorp
Classification: Uncertain significance for Retinitis pigmentosa 71; Short-rib thoracic dysplasia 10 with or without polydactyly. Last evaluated: 2021-07-19. Review status: criteria provided, single submitter. Criteria: Invitae Variant Classification Sherloc (09022015). Collection method: clinical testing. Allele origin: germline.
Comment: This sequence change replaces valine with leucine at codon 482 of the IFT172 protein (p.Val482Leu). The valine residue is weakly conserved and there is a small physicochemical difference between valine and leucine. This variant is not present in population databases (ExAC no frequency). This variant has not been reported in the literature in individuals affected with IFT172-related conditions. Algorithms developed to predict the effect of missense changes on protein structure and function (SIFT, PolyPhen-2, Align-GVGD) all suggest that this variant is likely to be tolerated. In summary, the available evidence is currently insufficient to determine the role of this variant in disease. Therefore, it has been classified as a Variant of Uncertain Significance.